The following is an entry in ClinVar:

NM_006946.4(SPTBN2):c.5360T>C (p.Leu1787Pro)

Gene: SPTBN2 (spectrin beta, non-erythrocytic 2; minus strand). Cytogenetic location: 11q13.2.
Variant type: single nucleotide variant.
Coding change: c.5360T>C on transcript NM_006946.4 (MANE Select); coding-DNA position 5360, T replaced by C.
Protein change: p.Leu1787Pro; replaces leucine 1787 with proline.
Molecular consequence: missense variant.
Genome position (GRCh38, 1-based): chr11:66,691,489, A>G on the plus strand (T>C on the coding strand, the complement: SPTBN2 is on the minus strand). VCF-style: chr11-66691489-A-G. GRCh37 (hg19) VCF-style: chr11-66458960-A-G.
Other names: c.5381T>C, p.Leu1794Pro (NM_001411025.1); short protein forms L1787P, L1794P.
Identifiers: ClinVar variation 3774073 (VCV003774073.2).
Genomic context (GRCh38, chr11:66,691,489, plus strand): 5'-AGGAAGCGCTGCAGCTCGTACGCCGCGGCCAGCACCTGACCCCGTGTGTCCAGCAGCTCA[A>G]GCAGGTCAGCCCAGGCCTCGTTGAGACTGTCCTTCCACTCGGCCACGGTGGCCCGTGCAG-3'
Protein context (NP_008877.2, residues 1777-1797): DSLNEAWADL[Leu1787Pro]ELLDTRGQVL

ClinVar aggregate classification (germline): Uncertain significance (1 of 4 stars; one submission).

gnomAD v4.1: 1 of 1,612,124 alleles (0.000062%); no homozygotes.

Submission:

GeneDx
Classification: Uncertain significance. Last evaluated: 2025-07-09. Review status: criteria provided, single submitter. Criteria: GeneDx Variant Classification Process June 2021. Collection method: clinical testing. Allele origin: germline.
Comment: Not observed at significant frequency in large population cohorts (gnomAD); In silico analysis supports that this missense variant has a deleterious effect on protein structure/function; Has not been previously published as pathogenic or benign to our knowledge